The following is an entry in ClinVar:

ClinVar aggregate classification (germline): Benign/Likely benign. Review status: criteria provided, multiple submitters, no conflicts (2 of 4 stars). 7 submissions from 7 submitters: Benign (2); Likely benign (5). Last evaluated 2026-02-02.

Conditions:
Transcobalamin II deficiency (TCN2D). Also called: Transcolabamin II deficiency; TC II DEFICIENCY; TCN2 DEFICIENCY. Identifiers: Orphanet 859, MedGen C0342701, MONDO:0010149, OMIM 275350.

Allele frequency attached by ClinVar (database versions not stated): 1000 Genomes Project 0.00140; 1000 Genomes Project 30x 0.00156; TOPMed 0.00309; ESP Exome Variant Server 0.00338; ExAC 0.00385; gnomAD 0.00338 and 0.00347; gnomAD exomes 0.00362.
gnomAD v4.1: 8,444 of 1,614,200 alleles (0.52%); highest among the groups gnomAD compares: Non-Finnish European, 0.65%; 26 homozygotes.

Submissions (7):

Labcorp Genetics (formerly Invitae), Labcorp
Classification: Benign for Transcobalamin II deficiency. Last evaluated: 2026-02-02. Review status: criteria provided, single submitter. Criteria: Invitae Variant Classification Sherloc (09022015). Collection method: clinical testing. Allele origin: germline.

Mayo Clinic Laboratories, Mayo Clinic
Classification: Benign. Last evaluated: 2025-10-22. Review status: criteria provided, single submitter. Criteria: ACMG Guidelines, 2015. Collection method: clinical testing. Allele origin: germline. Observed: 3 variant alleles.
Comment: BA1, BP4, BP7

CeGaT Center for Human Genetics Tuebingen
Classification: Likely benign. Last evaluated: 2025-03-01. Review status: criteria provided, single submitter. Criteria: CeGaT Center For Human Genetics Tuebingen Variant Classification Criteria Version 2. Collection method: clinical testing. Allele origin: germline. Affected: yes. Observed: 3 variant alleles.
Comment: TCN2: BP4, BP7, BS2

Blueprint Genetics
Classification: Likely benign. Last evaluated: 2024-11-21. Review status: criteria provided, single submitter. Criteria: ACMG Guidelines, 2015. Collection method: clinical testing. Allele origin: germline.

ARUP Laboratories, Molecular Genetics and Genomics, ARUP Laboratories
Classification: Likely benign for Transcobalamin II deficiency. Last evaluated: 2023-11-16. Review status: criteria provided, single submitter. Criteria: ARUP Molecular Germline Variant Investigation Process 2024. Collection method: clinical testing. Allele origin: germline.

Illumina Laboratory Services, Illumina
Classification: Likely benign for Transcobalamin II deficiency. Last evaluated: 2018-01-12. Review status: criteria provided, single submitter. Criteria: ICSL Variant Classification Criteria 13 December 2019. Collection method: clinical testing. Allele origin: germline.
Comment: This variant was observed in the ICSL laboratory as part of a predisposition screen in an ostensibly healthy population. It had not been previously curated by ICSL or reported in the Human Gene Mutation Database (HGMD: prior to June 1st, 2018), and was therefore a candidate for classification through an automated scoring system. Utilizing variant allele frequency, disease prevalence and penetrance estimates, and inheritance mode, an automated score was calculated to assess if this variant is too frequent to cause the disease. Based on the score and internal cut-off values, a variant classified as likely benign is not then subjected to further curation. The score for this variant resulted in a classification of likely benign for this disease.

Breakthrough Genomics
Classification: Likely benign. Review status: criteria provided, single submitter. Criteria: ACMG Guidelines, 2015. Collection method: not provided. Allele origin: germline. Inheritance: Autosomal recessive inheritance. Affected: yes.

NM_000355.4(TCN2):c.877C>T (p.Leu293=)

Gene: TCN2 (transcobalamin 2; plus strand). Cytogenetic location: 22q12.2.
Variant type: single nucleotide variant.
Coding change: c.877C>T on transcript NM_000355.4 (MANE Select); coding-DNA position 877, C replaced by T.
Protein change: p.Leu293=; no amino-acid change (leucine 293 retained).
Molecular consequence: synonymous variant.
Genome position (GRCh38, 1-based): chr22:30,615,724, C>T. VCF-style: chr22-30615724-C-T. GRCh37 (hg19) VCF-style: chr22-31011711-C-T.
Other names: p.Leu293=; c.796C>T, p.Leu266= (NM_001184726.2).
Identifiers: ClinVar variation 341204 (VCV000341204.38), dbSNP rs45624233, ClinGen allele CA10184867.
Genomic context (GRCh38, chr22:30,615,724, plus strand): 5'-GCTTTGCTGGCCAGTCTGCAGGATGGAGCCTTCCAGAATGCTCTCATGATTTCCCAGCTG[C>T]TGCCCGTTCTGAACCACAAGACCTACATTGATCTGATCTTCCCAGACTGTCTGGCACCAC-3'
Protein context (NP_000346.2, residues 283-303): FQNALMISQL[Leu293=]PVLNHKTYID